The following is an entry in ClinVar:

ClinVar aggregate classification (germline): Uncertain significance (1 of 4 stars; one submission).

Submission:

GeneDx
Classification: Uncertain significance. Last evaluated: 2026-02-05. Review status: criteria provided, single submitter. Criteria: GeneDx Variant Classification Process June 2021. Collection method: clinical testing. Allele origin: germline.
Comment: Not observed at significant frequency in large population cohorts (gnomAD); In silico analysis supports that this missense variant has a deleterious effect on protein structure/function; Has not been previously published as pathogenic or benign to our knowledge

NM_015375.3(DSTYK):c.1670C>T (p.Pro557Leu)

Gene: DSTYK (dual serine/threonine and tyrosine protein kinase; minus strand). Cytogenetic location: 1q32.1.
Variant type: single nucleotide variant.
Coding change: c.1670C>T on transcript NM_015375.3 (MANE Select); coding-DNA position 1670, C replaced by T.
Protein change: p.Pro557Leu; replaces proline 557 with leucine.
Molecular consequence: missense variant.
Genome position (GRCh38, 1-based): chr1:205,162,184, G>A on the plus strand (C>T on the coding strand, the complement: DSTYK is on the minus strand). VCF-style: chr1-205162184-G-A. GRCh37 (hg19) VCF-style: chr1-205131312-G-A.
Other names: c.1670C>T, p.Pro557Leu (NM_199462.3); short protein forms P557L.
Identifiers: ClinVar variation 4975542 (VCV004975542.1).